The following is an entry in ClinVar:

NM_152703.5(SAMD9L):c.1384A>T (p.Ser462Cys)

Gene: SAMD9L (sterile alpha motif domain containing 9 like; minus strand). Cytogenetic location: 7q21.2.
Variant type: single nucleotide variant.
Coding change: c.1384A>T on transcript NM_152703.5 (MANE Select); coding-DNA position 1384, A replaced by T.
Protein change: p.Ser462Cys; replaces serine 462 with cysteine.
Molecular consequence: missense variant.
Genome position (GRCh38, 1-based): chr7:93,134,588, T>A on the plus strand (A>T on the coding strand, the complement: SAMD9L is on the minus strand). VCF-style: chr7-93134588-T-A. GRCh37 (hg19) VCF-style: chr7-92763901-T-A.
Other names: c.1384A>T, p.Ser462Cys (NM_001303496.3, NM_001303497.3, NM_001303498.3 and 5 more transcripts); short protein forms S462C.
Identifiers: ClinVar variation 3949911 (VCV003949911.1).

ClinVar aggregate classification (germline): Uncertain significance (1 of 4 stars; one submission).

Conditions:
Inborn genetic diseases. Identifiers: MedGen C0950123, MeSH D030342.

gnomAD v4.1: 1 of 1,613,992 alleles (0.000062%); highest among the groups gnomAD compares: Middle Eastern, 0.016%; no homozygotes.

Submission:

Ambry Genetics
Classification: Uncertain significance for Inborn genetic diseases. Last evaluated: 2025-05-11. Review status: criteria provided, single submitter. Criteria: Ambry Variant Classification Scheme 2023. Collection method: clinical testing. Allele origin: germline.
Comment: The p.S462C variant (also known as c.1384A>T), located in coding exon 1 of the SAMD9L gene, results from an A to T substitution at nucleotide position 1384. The serine at codon 462 is replaced by cysteine, an amino acid with dissimilar properties. This amino acid position is conserved. In addition, this alteration is predicted to be tolerated by in silico analysis. Based on the available evidence, the clinical significance of this variant remains unclear.